The following is an entry in ClinVar:

NM_001080517.3(SETD5):c.389G>A (p.Gly130Asp)

Gene: SETD5 (SET domain containing 5; plus strand). Cytogenetic location: 3p25.3.
Variant type: single nucleotide variant.
Coding change: c.389G>A on transcript NM_001080517.3 (MANE Select); coding-DNA position 389, G replaced by A.
Protein change: p.Gly130Asp; replaces glycine 130 with aspartic acid.
Molecular consequence: missense variant.
Genome position (GRCh38, 1-based): chr3:9,435,728, G>A. VCF-style: chr3-9435728-G-A. GRCh37 (hg19) VCF-style: chr3-9477412-G-A.
Other names: c.56G>A, p.Gly19Asp (NM_001292043.2, NM_001349451.2); short protein forms G130D, G19D.
Identifiers: ClinVar variation 1693458 (VCV001693458.2), dbSNP rs1490730714, ClinGen allele CA351683821.

ClinVar aggregate classification (germline): Uncertain significance (1 of 4 stars; one submission).

Allele frequency attached by ClinVar (database versions not stated): gnomAD 0.00001; TOPMed 0.00001.
gnomAD v4.1: 5 of 1,567,070 alleles (0.00032%); highest among the groups gnomAD compares: Admixed American, 0.002%; no homozygotes.

Submission:

GeneDx
Classification: Uncertain significance. Last evaluated: 2022-06-30. Review status: criteria provided, single submitter. Criteria: GeneDx Variant Classification Process June 2021. Collection method: clinical testing. Allele origin: germline. Affected: yes.
Comment: Reliable data are not available in large population cohorts to assess the frequency of this variant in publicly available databases; In silico analysis supports that this missense variant does not alter protein structure/function; Has not been previously published as pathogenic or benign to our knowledge